The following is an entry in ClinVar:

ClinVar aggregate classification (germline): Uncertain significance (1 of 4 stars; one submission).

Submission:

Labcorp Genetics (formerly Invitae), Labcorp
Classification: Uncertain significance. Last evaluated: 2022-07-17. Review status: criteria provided, single submitter. Criteria: Invitae Variant Classification Sherloc (09022015). Collection method: clinical testing. Allele origin: germline.
Comment: This sequence change replaces asparagine, which is neutral and polar, with histidine, which is basic and polar, at codon 349 of the C1S protein (p.Asn349His). This variant is not present in population databases (gnomAD no frequency). This variant has not been reported in the literature in individuals affected with C1S-related conditions. Algorithms developed to predict the effect of missense changes on protein structure and function output the following: SIFT: "Tolerated"; PolyPhen-2: "Benign"; Align-GVGD: "Class C0". The histidine amino acid residue is found in multiple mammalian species, which suggests that this missense change does not adversely affect protein function. In summary, the available evidence is currently insufficient to determine the role of this variant in disease. Therefore, it has been classified as a Variant of Uncertain Significance.

NM_001734.5(C1S):c.1045A>C (p.Asn349His)

Gene: C1S (complement C1s; plus strand). Cytogenetic location: 12p13.31.
Variant type: single nucleotide variant.
Coding change: c.1045A>C on transcript NM_001734.5 (MANE Select); coding-DNA position 1045, A replaced by C.
Protein change: p.Asn349His; replaces asparagine 349 with histidine.
Molecular consequence: missense variant.
Genome position (GRCh38, 1-based): chr12:7,067,096, A>C. VCF-style: chr12-7067096-A-C. GRCh37 (hg19) VCF-style: chr12-7174400-A-C.
Other names: c.544A>C, p.Asn182His (NM_001346850.2); c.1045A>C, p.Asn349His (NM_201442.4); short protein forms N182H, N349H.
Identifiers: ClinVar variation 1717976 (VCV001717976.5), dbSNP rs2539602481, ClinGen allele CA383700195.